The following is an entry in ClinVar:

ClinVar aggregate classification (germline): Uncertain significance. Review status: criteria provided, multiple submitters, no conflicts (2 of 4 stars). 2 submissions from 2 submitters: Uncertain significance (2). Last evaluated 2024-12-03.

Conditions:
Hereditary spastic paraplegia 75. Also called: Spastic paraplegia 75, autosomal recessive. Identifiers: Orphanet 459056, MedGen C4225250, MONDO:0014729, OMIM 616680.
Inborn genetic diseases. Identifiers: MedGen C0950123, MeSH D030342.

Allele frequency attached by ClinVar (database versions not stated): ESP Exome Variant Server 0.00008; ExAC 0.00013.
gnomAD v4.1: 36 of 1,441,498 alleles (0.0025%); highest among the groups gnomAD compares: East Asian, 0.042%; no homozygotes.

Submissions (2):

Ambry Genetics
Classification: Uncertain significance for Inborn genetic diseases. Last evaluated: 2024-12-03. Review status: criteria provided, single submitter. Criteria: Ambry Variant Classification Scheme 2023. Collection method: clinical testing. Allele origin: germline.

Labcorp Genetics (formerly Invitae), Labcorp
Classification: Uncertain significance for Hereditary spastic paraplegia 75. Last evaluated: 2024-01-24. Review status: criteria provided, single submitter. Criteria: Invitae Variant Classification Sherloc (09022015). Collection method: clinical testing. Allele origin: germline.
Comment: This sequence change replaces valine, which is neutral and non-polar, with isoleucine, which is neutral and non-polar, at codon 236 of the MAG protein (p.Val236Ile). This variant is present in population databases (rs373129536, gnomAD 0.1%). This variant has not been reported in the literature in individuals affected with MAG-related conditions. ClinVar contains an entry for this variant (Variation ID: 2058855). Advanced modeling of protein sequence and biophysical properties (such as structural, functional, and spatial information, amino acid conservation, physicochemical variation, residue mobility, and thermodynamic stability) performed at Invitae indicates that this missense variant is not expected to disrupt MAG protein function with a negative predictive value of 80%. In summary, the available evidence is currently insufficient to determine the role of this variant in disease. Therefore, it has been classified as a Variant of Uncertain Significance.

NM_002361.4(MAG):c.706G>A (p.Val236Ile)

Gene: MAG (myelin associated glycoprotein; plus strand). Cytogenetic location: 19q13.12.
Variant type: single nucleotide variant.
Coding change: c.706G>A on transcript NM_002361.4 (MANE Select); coding-DNA position 706, G replaced by A.
Protein change: p.Val236Ile; replaces valine 236 with isoleucine.
Molecular consequence: missense variant.
Genome position (GRCh38, 1-based): chr19:35,299,844, G>A. VCF-style: chr19-35299844-G-A. GRCh37 (hg19) VCF-style: chr19-35790747-G-A.
Other names: c.631G>A, p.Val211Ile (NM_001199216.2); c.706G>A, p.Val236Ile (NM_080600.3); short protein forms V211I, V236I.
Identifiers: ClinVar variation 2058855 (VCV002058855.6), dbSNP rs373129536, ClinGen allele CA9376071.
Genomic context (GRCh38, chr19:35,299,844, plus strand): 5'-GGCTGCCAGGCCTCCTTCCCCAACACCACCCTGCAGTTCGAGGGCTACGCCAGCATGGAC[G>A]TCAAGTGTGAGCCTGGGTGCGGGCGGGGCGGGGTGGGGCGGGGTGGGGCGGGGTCCGGGG-3'
Protein context (NP_002352.1, residues 226-246): LQFEGYASMD[Val236Ile]KYPPVIVEMN